The following is an entry in ClinVar:

ClinVar aggregate classification (germline): Uncertain significance (1 of 4 stars; one submission).

Conditions:
TTN-related disorder. Also called: TTN-related disorders; TTN-related condition; TTN-related disease.

gnomAD v4.1: 4 of 1,613,896 alleles (0.00025%); highest among the groups gnomAD compares: African/African-American, 0.0053%; no homozygotes.

Submission:

PreventionGenetics, part of Exact Sciences
Classification: Uncertain significance for TTN-related condition. Last evaluated: 2024-12-02. Review status: criteria provided, single submitter. Criteria: ACMG Guidelines, 2015. Collection method: clinical testing. Allele origin: germline.
Comment: The TTN c.8323T>C variant is predicted to result in the amino acid substitution p.Ser2775Pro. To our knowledge, this variant has not been reported in the literature. This variant is reported in 0.012% of alleles in individuals of African descent in gnomAD. At this time, the clinical significance of this variant is uncertain due to the absence of conclusive functional and genetic evidence.

NM_001267550.2(TTN):c.8323T>C (p.Ser2775Pro)

Gene: TTN (titin; minus strand). Cytogenetic location: 2q31.2.
Variant type: single nucleotide variant.
Coding change: c.8323T>C on transcript NM_001267550.2 (MANE Select); coding-DNA position 8323, T replaced by C.
Protein change: p.Ser2775Pro; replaces serine 2775 with proline.
Molecular consequence: missense variant.
Genome position (GRCh38, 1-based): chr2:178,770,469, A>G on the plus strand (T>C on the coding strand, the complement: TTN is on the minus strand). VCF-style: chr2-178770469-A-G. GRCh37 (hg19) VCF-style: chr2-179635196-A-G.
Other names: c.8323T>C, p.Ser2775Pro (NM_001256850.1, NM_133378.4, NM_133379.5); c.8185T>C, p.Ser2729Pro (NM_003319.4, NM_133432.3, NM_133437.4); short protein forms S2775P, S2729P.
Identifiers: ClinVar variation 4986101 (VCV004986101.1).
Genomic context (GRCh38, chr2:178,770,469, plus strand): 5'-TACTCTCCACGTGCAGTCTGGCACTGGCTCCAAGCCTTCCAAGCCTGAAGCCATAAACAG[A>G]CTCATCCACGATGGCACAGTTTTTAATCCTCAGAGAGTAAATTGTTCCTTTGACAGAGAT-3'
Protein context (NP_001254479.2, residues 2765-2785): RIKNCAIVDE[Ser2775Pro]VYGFRLGRLG